The following is an entry in ClinVar:

NM_003331.5(TYK2):c.2435A>G (p.Glu812Gly)

Gene: TYK2 (tyrosine kinase 2; minus strand). Cytogenetic location: 19p13.2.
Variant type: single nucleotide variant.
Coding change: c.2435A>G on transcript NM_003331.5 (MANE Select); coding-DNA position 2435, A replaced by G.
Protein change: p.Glu812Gly; replaces glutamic acid 812 with glycine.
Molecular consequence: missense variant.
Genome position (GRCh38, 1-based): chr19:10,357,795, T>C on the plus strand (A>G on the coding strand, the complement: TYK2 is on the minus strand). VCF-style: chr19-10357795-T-C. GRCh37 (hg19) VCF-style: chr19-10468471-T-C.
Other names: c.2435A>G, p.Glu812Gly (NM_001385197.1, NM_001385198.1, NM_001385200.1 and 2 more transcripts); c.2249A>G, p.Glu750Gly (NM_001385199.1); c.2237A>G, p.Glu746Gly (NM_001385201.1); c.2351A>G, p.Glu784Gly (NM_001385202.1); c.2345A>G, p.Glu782Gly (NM_001385205.1); c.2309A>G, p.Glu770Gly (NM_001385206.1); c.2417A>G, p.Glu806Gly (NM_001385207.1); short protein forms E750G, E806G, E746G, E770G, E812G, E784G, E782G.
Identifiers: ClinVar variation 1047600 (VCV001047600.8), dbSNP rs528324154, ClinGen allele CA9193080.
Genomic context (GRCh38, chr19:10,357,795, plus strand): 5'-GGGAGGGCCCAAGGGTCTCCTAGACATACCTCGGAGGGACTGCGGCTCTGCAGAGGGGCC[T>C]CTCCGTCAAAGCAGATCTCCAGGAGGGTGGCGCCAAACCCCCACTTGTCCATGGCGGTGC-3'
Protein context (NP_003322.3, residues 802-822): ATLLEICFDG[Glu812Gly]APLQSRSPSE

ClinVar aggregate classification (germline): Uncertain significance. Review status: criteria provided, multiple submitters, no conflicts (2 of 4 stars). 2 submissions from 2 submitters: Uncertain significance (2). Last evaluated 2022-08-30.

Conditions:
Immunodeficiency 35 (IMD35). Also called: HIES WITH ATYPICAL MYCOBACTERIOSIS, AUTOSOMAL RECESSIVE; HYPER-IgE SYNDROME WITH ATYPICAL MYCOBACTERIOSIS, AUTOSOMAL RECESSIVE; TYK2 DEFICIENCY; Susceptibility to infection due to TYK2 deficiency. Identifiers: Orphanet 331226, MedGen C1969086, MONDO:0012682, OMIM 611521.

Allele frequency attached by ClinVar (database versions not stated): gnomAD exomes below 0.00001 and 0.00001; ExAC 0.00001; gnomAD 0.00001; 1000 Genomes Project 30x 0.00016; 1000 Genomes Project 0.00020.
gnomAD v4.1: 9 of 1,613,096 alleles (0.00056%); highest among the groups gnomAD compares: Admixed American, 0.015%; no homozygotes.

Submissions (2):

Blueprint Genetics
Classification: Uncertain significance. Last evaluated: 2022-08-30. Review status: criteria provided, single submitter. Criteria: ACMG Guidelines, 2015. Collection method: clinical testing. Allele origin: germline.

Labcorp Genetics (formerly Invitae), Labcorp
Classification: Uncertain significance for Immunodeficiency 35. Last evaluated: 2020-07-12. Review status: criteria provided, single submitter. Criteria: Invitae Variant Classification Sherloc (09022015). Collection method: clinical testing. Allele origin: germline.
Comment: In summary, the available evidence is currently insufficient to determine the role of this variant in disease. Therefore, it has been classified as a Variant of Uncertain Significance. Algorithms developed to predict the effect of missense changes on protein structure and function are either unavailable or do not agree on the potential impact of this missense change (SIFT: "Not Available"; PolyPhen-2: "Possibly Damaging"; Align-GVGD: "Not Available"). This variant has not been reported in the literature in individuals with TYK2-related conditions. This variant is present in population databases (rs528324154, ExAC 0.01%). This sequence change replaces glutamic acid with glycine at codon 812 of the TYK2 protein (p.Glu812Gly). The glutamic acid residue is highly conserved and there is a moderate physicochemical difference between glutamic acid and glycine.